The following is an entry in ClinVar:

NM_053025.4(MYLK):c.3137C>T (p.Thr1046Ile)

Gene: MYLK (myosin light chain kinase; minus strand). Cytogenetic location: 3q21.1.
Variant type: single nucleotide variant.
Coding change: c.3137C>T on transcript NM_053025.4 (MANE Select); coding-DNA position 3137, C replaced by T.
Protein change: p.Thr1046Ile; replaces threonine 1046 with isoleucine.
Molecular consequence: missense variant.
Genome position (GRCh38, 1-based): chr3:123,700,331, G>A on the plus strand (C>T on the coding strand, the complement: MYLK is on the minus strand). VCF-style: chr3-123700331-G-A. GRCh37 (hg19) VCF-style: chr3-123419178-G-A.
Other names: c.2609C>T, p.Thr870Ile (NM_001321309.2); c.2930C>T, p.Thr977Ile (NM_053026.4, NM_053028.4); c.3137C>T, p.Thr1046Ile (NM_053027.4); short protein forms T1046I, T977I, T870I.
Identifiers: ClinVar variation 409691 (VCV000409691.8), dbSNP rs1060502533, ClinGen allele CA16611145.
Genomic context (GRCh38, chr3:123,700,331, plus strand): 5'-TCTTCTTTGCTAGCGGATTTCAGGTTCTCATCAGGCTTGGCATTGCCCATGGGCTTCAGG[G>A]TCTCGGCAGGCTTGGCGTTGCCCATTGGCTTCAGGGTCTCAGCAGGCTTGGCGTTGCCCA-3'
Protein context (NP_444253.3, residues 1036-1056): KPMGNAKPAE[Thr1046Ile]LKPMGNAKPD

ClinVar aggregate classification (germline): Uncertain significance. Review status: criteria provided, multiple submitters, no conflicts (2 of 4 stars). 3 submissions from 3 submitters: Uncertain significance (3). Last evaluated 2024-02-01.

Conditions:
Familial thoracic aortic aneurysm and aortic dissection (TAAD). Also called: Thoracic aortic aneurysms and dissections. Identifiers: Orphanet 91387, MedGen C4707243, MONDO:0019625.
Aortic aneurysm, familial thoracic 7 (AAT7). Also called: AORTIC DISSECTION, FAMILIAL, WITH OR WITHOUT AORTIC ANEURYSM. Identifiers: MedGen C3151077, MONDO:0013418, OMIM 613780.

Allele frequency attached by ClinVar (database versions not stated): gnomAD exomes below 0.00001; TOPMed below 0.00001.
gnomAD v4.1: 6 of 1,613,730 alleles (0.00037%); highest among the groups gnomAD compares: South Asian, 0.0011%; no homozygotes.

Submissions (3):

Ambry Genetics
Classification: Uncertain significance for Familial thoracic aortic aneurysm and aortic dissection. Last evaluated: 2024-02-01. Review status: criteria provided, single submitter. Criteria: Ambry Variant Classification Scheme 2023. Collection method: clinical testing. Allele origin: germline.
Comment: The p.T1046I variant (also known as c.3137C>T), located in coding exon 15 of the MYLK gene, results from a C to T substitution at nucleotide position 3137. The threonine at codon 1046 is replaced by isoleucine, an amino acid with similar properties. This amino acid position is conserved. In addition, this alteration is predicted to be tolerated by in silico analysis. Based on the available evidence, the clinical significance of this alteration remains unclear.

Women's Health and Genetics/Laboratory Corporation of America, LabCorp
Classification: Uncertain significance. Last evaluated: 2023-01-30. Review status: criteria provided, single submitter. Criteria: LabCorp Variant Classification Summary - May 2015. Collection method: clinical testing. Allele origin: germline.

Labcorp Genetics (formerly Invitae), Labcorp
Classification: Uncertain significance for Aortic aneurysm, familial thoracic 7. Last evaluated: 2021-08-24. Review status: criteria provided, single submitter. Criteria: Invitae Variant Classification Sherloc (09022015). Collection method: clinical testing. Allele origin: germline.
Comment: This sequence change replaces threonine with isoleucine at codon 1046 of the MYLK protein (p.Thr1046Ile). The threonine residue is highly conserved and there is a moderate physicochemical difference between threonine and isoleucine. This variant is not present in population databases (ExAC no frequency). This variant has not been reported in the literature in individuals affected with MYLK-related conditions. Algorithms developed to predict the effect of missense changes on protein structure and function output the following: SIFT: "Deleterious"; PolyPhen-2: "Benign"; Align-GVGD: "Class C65". The isoleucine amino acid residue is found in multiple mammalian species, which suggests that this missense change does not adversely affect protein function. In summary, the available evidence is currently insufficient to determine the role of this variant in disease. Therefore, it has been classified as a Variant of Uncertain Significance.